The following is an entry in ClinVar:

ClinVar aggregate classification (germline): Pathogenic. Review status: criteria provided, multiple submitters, no conflicts (2 of 4 stars). 5 submissions from 4 submitters: Pathogenic (4). 1 of the submissions does not count toward it. Last evaluated 2026-01-09.

Conditions:
Saethre-Chotzen syndrome (SCS). Also called: CHOTZEN SYNDROME; ACROCEPHALY, SKULL ASYMMETRY, AND MILD SYNDACTYLY; ACS III. Identifiers: Orphanet 794, MedGen C0175699, MONDO:0007042, OMIM 101400.
TWIST1-related craniosynostosis (CRS1). Also called: CRANIOSYNOSTOSIS 1. Identifiers: Orphanet 63440, MedGen C4551902, MONDO:0007399, OMIM 123100. Inheritance: Heterogenous inheritance pattern.

Submissions (5):

Labcorp Genetics (formerly Invitae), Labcorp
Classification: Pathogenic for TWIST1-related craniosynostosis; Saethre-Chotzen syndrome. Last evaluated: 2026-01-09. Review status: criteria provided, single submitter. Criteria: Invitae Variant Classification Sherloc (09022015). Collection method: clinical testing. Allele origin: germline.
Comment: This variant, c.397_417dup, results in the insertion of 7 amino acid(s) of the TWIST1 protein (p.Lys133_Pro139dup), but otherwise preserves the integrity of the reading frame. This variant is not present in population databases (gnomAD no frequency). This variant has been observed in individual(s) with clinical features of craniosynostosis (PMID: 8988167; internal data). In at least one individual the variant was observed to be de novo. ClinVar contains an entry for this variant (Variation ID: 458686). For these reasons, this variant has been classified as Pathogenic.

GeneDx
Classification: Pathogenic. Last evaluated: 2024-10-27. Review status: criteria provided, single submitter. Criteria: GeneDx Variant Classification Process June 2021. Collection method: clinical testing. Allele origin: germline. Affected: yes.
Comment: In-frame duplication of 7 amino acids in a non-repeat region; Not observed at significant frequency in large population cohorts (gnomAD); This variant is associated with the following publications: (PMID: 10749989, 30074960, 17621648, 11248247, 16251895, 31754721, 33937142, 16838304, 8988167)

Johns Hopkins Genomics, Johns Hopkins University
Classification: Pathogenic for TWIST1-related craniosynostosis. Last evaluated: 2023-03-10. Review status: criteria provided, single submitter. Criteria: ACMG Guidelines, 2015. Collection method: clinical testing. Allele origin: germline.
Comment: This TWIST1 variant has been reported in multiple unrelated individuals with TWIST1-related disorders, including as a de novo occurrence. This variant is absent from a large population dataset but has been reported in ClinVar (Variation ID 458686). Bioinformatic analysis predicts that this in-frame duplication variant would not affect normal exon 1 splicing7, although this has not been confirmed experimentally to our knowledge. The amino acids involved in the duplication are evolutionarily conserved across most of the species assessed. We consider c.397_417dup; p.Lys133_Pro139dup in TWIST1 to be pathogenic.

Labcorp Genetics (formerly Invitae), Labcorp
Classification: Pathogenic for Saethre-Chotzen syndrome. Last evaluated: 2017-06-14. Review status: criteria provided, single submitter. Criteria: Invitae Variant Classification Sherloc (09022015). Collection method: clinical testing. Allele origin: germline.
Comment: This variant, c.397_417dup, results in the insertion of 7 amino acids to the TWIST1 protein (p.Lys133_Pro139dup), but otherwise preserves the integrity of the reading frame. This variant is not present in population databases (ExAC no frequency). This variant has been reported in individuals affected with craniosynostosisÂ¬â€ and was observed to arise de novo in one case (PMID: 8988167, 16838304). Algorithms developed to predict the effect of sequence changes on RNA splicing suggest that this variant may create or strengthen a splice site, but this prediction has not been confirmed by published transcriptional studies. This insertion is located within the conserved loop region of the basic helix-loop-helix (bHLH) domain of the TWIST1 protein. The bHLH domain is essential for protein dimerization and DNA-binding (PMID: 11992718). Four different 7 amino acid in-frame duplications in the loop region have been reported in affected individuals (PMID: 24127277, 16251895, 14513358), which suggests that insertions in this region are deleterious. For these reasons, this variant has been classified as Pathogenic.

Clinical Laboratory Sciences Program (CLSP), King Saud bin Abdulaziz University for Health Sciences (KSAU-HS)
Classification: Pathogenic for TWIST1-related craniosynostosis. Review status: no assertion criteria provided. Collection method: clinical testing. Allele origin: germline. Affected: yes. Not counted in ClinVar's aggregate classification.

Literature cited by the submitters: PubMed 8988167 (cited by Labcorp Genetics (formerly Invitae), Labcorp and Johns Hopkins Genomics, Johns Hopkins University); PubMed 10749989 (cited by Johns Hopkins Genomics, Johns Hopkins University); PubMed 16251895 (cited by Johns Hopkins Genomics, Johns Hopkins University); PubMed 16838304 (cited by Johns Hopkins Genomics, Johns Hopkins University); PubMed 30074960 (cited by Johns Hopkins Genomics, Johns Hopkins University).

NM_000474.4(TWIST1):c.397_417dup (p.Lys133_Pro139dup)

Gene: TWIST1 (twist family bHLH transcription factor 1; minus strand). Cytogenetic location: 7p21.1.
Variant type: Duplication.
Coding change: c.397_417dup on transcript NM_000474.4 (MANE Select); coding-DNA positions 397 to 417, 21 bases duplicated (AAGATCATCCCCACGCTGCCC).
Protein change: p.Lys133_Pro139dup.
Molecular consequence: inframe insertion. On other transcripts: non-coding transcript variant (1).
Genome position (GRCh38, 1-based): chr7:19,116,905-19,116,925, GGGCAGCGTGGGGATGATCTT duplicated on the plus strand (AAGATCATCCCCACGCTGCCC on the coding strand, the reverse complement: TWIST1 is on the minus strand). VCF-style (leftmost placement, unchanged base first): chr7-19116904-A-AGGGCAGCGTGGGGATGATCTT. GRCh37 (hg19) VCF-style: chr7-19156527-A-AGGGCAGCGTGGGGATGATCTT.
Other names: c.397_417dupAAGATCATCCCCACGCTGCCC (NM_000474.3).
Identifiers: ClinVar variation 458686 (VCV000458686.35), dbSNP rs1554441989, ClinGen allele CA658657662.
Genomic context (GRCh38, chr7:19,116,904, plus strand): 5'-AGAGGAAGTCGATGTACCTGGCCGCCAGCTTGAGGGTCTGAATCTTGCTCAGCTTGTCCG[A>AGGGCAGCGTGGGGATGATCTT]GGGCAGCGTGGGGATGATCTTCCGCAGCGCGGCGAACGCCTCGTTCAGCGACTGGGTGCG-3'